The following is an entry in ClinVar:

ClinVar aggregate classification (germline): Likely benign. Review status: criteria provided, multiple submitters, no conflicts (2 of 4 stars). 2 submissions from 2 submitters: Likely benign (2). Last evaluated 2025-09-01.

Allele frequency attached by ClinVar (database versions not stated): gnomAD exomes below 0.00001.
gnomAD v4.1: 1 of 1,612,370 alleles (0.000062%); highest among the groups gnomAD compares: African/African-American, 0.0013%; no homozygotes.

Submissions (2):

CeGaT Center for Human Genetics Tuebingen
Classification: Likely benign. Last evaluated: 2025-09-01. Review status: criteria provided, single submitter. Criteria: CeGaT Center For Human Genetics Tuebingen Variant Classification Criteria Version 2. Collection method: clinical testing. Allele origin: germline. Affected: yes. Observed: 1 variant allele.
Comment: CNGB3: BP4, BP7

Labcorp Genetics (formerly Invitae), Labcorp
Classification: Likely benign. Last evaluated: 2022-10-31. Review status: criteria provided, single submitter. Criteria: Invitae Variant Classification Sherloc (09022015). Collection method: clinical testing. Allele origin: germline.

NM_019098.5(CNGB3):c.1191T>C (p.Cys397=)

Gene: CNGB3 (cyclic nucleotide gated channel subunit beta 3; minus strand). Cytogenetic location: 8q21.3.
Variant type: single nucleotide variant.
Coding change: c.1191T>C on transcript NM_019098.5 (MANE Select); coding-DNA position 1191, T replaced by C.
Protein change: p.Cys397=; no amino-acid change (cysteine 397 retained).
Molecular consequence: synonymous variant.
Genome position (GRCh38, 1-based): chr8:86,632,881, A>G on the plus strand (T>C on the coding strand, the complement: CNGB3 is on the minus strand). VCF-style: chr8-86632881-A-G. GRCh37 (hg19) VCF-style: chr8-87645109-A-G.
Identifiers: ClinVar variation 1149855 (VCV001149855.16), dbSNP rs2131585597, ClinGen allele CA461814158.